The following is an entry in ClinVar:

ClinVar aggregate classification (germline): Uncertain significance (1 of 4 stars; one submission).

Conditions:
Fanconi anemia (FA). Also called: Fanconi's anemia. Identifiers: Orphanet 84, MedGen C0015625, MeSH D005199, MONDO:0019391.

Allele frequency attached by ClinVar (database versions not stated): TOPMed below 0.00001; gnomAD 0.00001.

Submission:

Labcorp Genetics (formerly Invitae), Labcorp
Classification: Uncertain significance for Fanconi anemia. Last evaluated: 2021-02-17. Review status: criteria provided, single submitter. Criteria: Invitae Variant Classification Sherloc (09022015). Collection method: clinical testing. Allele origin: germline.
Comment: This sequence change replaces glycine with serine at codon 1309 of the FANCI protein (p.Gly1309Ser). The glycine residue is weakly conserved and there is a small physicochemical difference between glycine and serine. This variant is not present in population databases (ExAC no frequency). This variant has not been reported in the literature in individuals with FANCI-related conditions. Algorithms developed to predict the effect of missense changes on protein structure and function output the following: SIFT: "Tolerated"; PolyPhen-2: "Benign"; Align-GVGD: "Class C0". The serine amino acid residue is found in multiple mammalian species, suggesting that this missense change does not adversely affect protein function. These predictions have not been confirmed by published functional studies and their clinical significance is uncertain. In summary, the available evidence is currently insufficient to determine the role of this variant in disease. Therefore, it has been classified as a Variant of Uncertain Significance.

NM_001113378.2(FANCI):c.3925G>A (p.Gly1309Ser)

Genes: FANCI (FA complementation group I; plus strand), POLG (DNA polymerase gamma, catalytic subunit; minus strand). Cytogenetic location: 15q26.1.
Variant type: single nucleotide variant.
Coding change: c.3925G>A on transcript NM_001113378.2 (MANE Select); coding-DNA position 3925, G replaced by A.
Protein change: p.Gly1309Ser; replaces glycine 1309 with serine.
Molecular consequence: missense variant. On other transcripts: 3 prime UTR variant (2).
Genome position (GRCh38, 1-based): chr15:89,316,397, G>A. VCF-style: chr15-89316397-G-A. GRCh37 (hg19) VCF-style: chr15-89859628-G-A.
Other names: c.*354C>T (NM_001126131.2, NM_002693.3); c.3646G>A, p.Gly1216Ser (NM_001376910.1); c.3925G>A, p.Gly1309Ser (NM_001376911.1); c.3745G>A, p.Gly1249Ser (NM_018193.3); short protein forms G1249S, G1216S, G1309S.
Identifiers: ClinVar variation 1474685 (VCV001474685.9), dbSNP rs1357711884, ClinGen allele CA393746288.